The following is an entry in ClinVar:

ClinVar aggregate classification (germline): Conflicting classifications of pathogenicity. Review status: criteria provided, conflicting classifications (1 of 4 stars). 5 submissions from 5 submitters: Pathogenic (1); Likely pathogenic (2); Uncertain significance (1). 1 of the submissions does not count toward it. Last evaluated 2025-07-11.

Conditions:
Autosomal recessive polycystic kidney disease (ARPKD). Also called: AR polycystic kidney disease. Identifiers: Orphanet 731, Orphanet 8378, MedGen C0085548, MeSH D017044, MONDO:0009889.
Polycystic kidney disease 4 (PKD4). Also called: POLYCYSTIC KIDNEY AND HEPATIC DISEASE 1; POLYCYSTIC KIDNEY DISEASE, INFANTILE, TYPE I; POLYCYSTIC KIDNEY DISEASE 4 WITH OR WITHOUT POLYCYSTIC LIVER DISEASE; Autosomal Recessive Polycystic Kidney Disease – PKHD1; PKD3. Identifiers: MedGen C4540575, MONDO:0033004, OMIM 263200.

Submissions (5):

Women's Health and Genetics/Laboratory Corporation of America, LabCorp
Classification: Uncertain significance. Last evaluated: 2025-07-11. Review status: criteria provided, single submitter. Criteria: LabCorp Variant Classification Summary - May 2015. Collection method: clinical testing. Allele origin: germline.
Comment: Variant summary: PKHD1 c.4187C>T (p.Pro1396Leu) results in a non-conservative amino acid change located in the IPT domain (IPR002909) of the encoded protein sequence. Algorithms developed to predict the effect of missense changes on protein structure and function all suggest that this variant is likely to be disruptive. The variant was absent in 251366 control chromosomes. c.4187C>T has been observed in individual(s) affected with Polycystic Kidney Disease (Reidhammer_2020, internal_testing). These data indicate that the variant may be associated with disease. To our knowledge, no experimental evidence demonstrating an impact on protein function has been reported. The following publication have been ascertained in the context of this evaluation (PMID: 32359821). ClinVar contains an entry for this variant (Variation ID: 807463). Based on the evidence outlined above, the variant was classified as VUS-possibly pathogenic.

Labcorp Genetics (formerly Invitae), Labcorp
Classification: Pathogenic for Autosomal recessive polycystic kidney disease. Last evaluated: 2025-07-02. Review status: criteria provided, single submitter. Criteria: Invitae Variant Classification Sherloc (09022015). Collection method: clinical testing. Allele origin: germline.
Comment: This sequence change replaces proline, which is neutral and non-polar, with leucine, which is neutral and non-polar, at codon 1396 of the PKHD1 protein (p.Pro1396Leu). This variant is not present in population databases (gnomAD no frequency). This missense change has been observed in individual(s) with polycystic kidney disease (PMID: 32359821; internal data). In at least one individual the data is consistent with being in trans (on the opposite chromosome) from a pathogenic variant. ClinVar contains an entry for this variant (Variation ID: 807463). Invitae Evidence Modeling of protein sequence and biophysical properties (such as structural, functional, and spatial information, amino acid conservation, physicochemical variation, residue mobility, and thermodynamic stability) indicates that this missense variant is expected to disrupt PKHD1 protein function with a positive predictive value of 95%. For these reasons, this variant has been classified as Pathogenic.

Fulgent Genetics
Classification: Likely pathogenic for Polycystic kidney disease 4. Last evaluated: 2024-03-29. Review status: criteria provided, single submitter. Criteria: ACMG Guidelines, 2015. Collection method: clinical testing. Allele origin: germline.

Institute of Human Genetics Munich, TUM University Hospital
Classification: Likely pathogenic for Polycystic kidney disease 4. Last evaluated: 2018-06-13. Review status: criteria provided, single submitter. Criteria: Classification criteria August 2017. Collection method: clinical testing. Allele origin: paternal. Inheritance: Autosomal recessive inheritance. Affected: yes. Observed: 1 compound heterozygote.

Natera, Inc.
Classification: Uncertain significance for Autosomal recessive polycystic kidney disease. Last evaluated: 2020-10-15. Review status: no assertion criteria provided. Collection method: clinical testing. Allele origin: germline. Not counted in ClinVar's aggregate classification.

Literature cited by the submitters: PubMed 32359821 (cited by Women's Health and Genetics/Laboratory Corporation of America, LabCorp and Labcorp Genetics (formerly Invitae), Labcorp).

NM_138694.4(PKHD1):c.4187C>T (p.Pro1396Leu)

Gene: PKHD1 (PKHD1 ciliary IPT domain containing fibrocystin/polyductin; minus strand). Cytogenetic location: 6p12.2.
Variant type: single nucleotide variant.
Coding change: c.4187C>T on transcript NM_138694.4 (MANE Select); coding-DNA position 4187, C replaced by T.
Protein change: p.Pro1396Leu; replaces proline 1396 with leucine.
Molecular consequence: missense variant.
Genome position (GRCh38, 1-based): chr6:52,025,623, G>A on the plus strand (C>T on the coding strand, the complement: PKHD1 is on the minus strand). VCF-style: chr6-52025623-G-A. GRCh37 (hg19) VCF-style: chr6-51890421-G-A.
Other names: c.4187C>T, p.Pro1396Leu (NM_170724.3); short protein forms P1396L.
Identifiers: ClinVar variation 807463 (VCV000807463.24), dbSNP rs1581809655, ClinGen allele CA364435183.